The following is an entry in ClinVar:

ClinVar aggregate classification (germline): Pathogenic/Likely pathogenic. Review status: criteria provided, multiple submitters, no conflicts (2 of 4 stars). 4 submissions from 4 submitters: Pathogenic (1); Likely pathogenic (3). Last evaluated 2022-08-23.

Conditions:
Retinal dystrophy. Also called: Inherited retinal dystrophy. Identifiers: Orphanet 71862, MedGen C0854723, MeSH D058499, MONDO:0019118, HP:0000556.
Stargardt disease (FFM). Also called: Stargardt's disease; Fundus flavimaculatus. Identifiers: Orphanet 827, MedGen C0271093, MONDO:0019353.

Allele frequency attached by ClinVar (database versions not stated): gnomAD exomes below 0.00001; TOPMed below 0.00001; gnomAD 0.00001.
gnomAD v4.1: 2 of 1,613,686 alleles (0.00012%); highest among the groups gnomAD compares: Non-Finnish European, 0.00017%; no homozygotes.

Submissions (4):

Labcorp Genetics (formerly Invitae), Labcorp
Classification: Likely pathogenic. Last evaluated: 2022-08-23. Review status: criteria provided, single submitter. Criteria: Invitae Variant Classification Sherloc (09022015). Collection method: clinical testing. Allele origin: germline.
Comment: In summary, the currently available evidence indicates that the variant is pathogenic, but additional data are needed to prove that conclusively. Therefore, this variant has been classified as Likely Pathogenic. Advanced modeling of protein sequence and biophysical properties (such as structural, functional, and spatial information, amino acid conservation, physicochemical variation, residue mobility, and thermodynamic stability) performed at Invitae indicates that this missense variant is expected to disrupt ABCA4 protein function. ClinVar contains an entry for this variant (Variation ID: 806159). This missense change has been observed in individual(s) with clinical features of ABCA4-related conditions (Invitae). In at least one individual the data is consistent with being in trans (on the opposite chromosome) from a pathogenic variant. This variant is present in population databases (no rsID available, gnomAD 0.0009%). This sequence change replaces arginine, which is basic and polar, with isoleucine, which is neutral and non-polar, at codon 1925 of the ABCA4 protein (p.Arg1925Ile).

CeGaT Center for Human Genetics Tuebingen
Classification: Likely pathogenic. Last evaluated: 2020-11-01. Review status: criteria provided, single submitter. Criteria: CeGaT Center For Human Genetics Tuebingen Variant Classification Criteria Version 2. Collection method: clinical testing. Allele origin: germline. Affected: yes. Observed: 2 variant alleles.

Molecular Genetics Laboratory, Institute for Ophthalmic Research
Classification: Pathogenic for Stargardt disease. Last evaluated: 2020-01-09. Review status: criteria provided, single submitter. Criteria: ACMG Guidelines, 2015. Collection method: research. Allele origin: germline. Affected: yes.

Institute of Human Genetics, Univ. Regensburg, Univ. Regensburg
Classification: Likely pathogenic for Retinal dystrophy. Last evaluated: 2019-01-01. Review status: criteria provided, single submitter. Criteria: ACMG Guidelines, 2015. Collection method: clinical testing. Allele origin: germline. Affected: yes.

Literature cited by the submitters: PubMed 32531858 (cited by Institute of Human Genetics, Univ. Regensburg, Univ. Regensburg).

NM_000350.3(ABCA4):c.5774G>T (p.Arg1925Ile)

Gene: ABCA4 (ATP binding cassette subfamily A member 4; minus strand). Cytogenetic location: 1p22.1.
Variant type: single nucleotide variant.
Coding change: c.5774G>T on transcript NM_000350.3 (MANE Select); coding-DNA position 5774, G replaced by T.
Protein change: p.Arg1925Ile; replaces arginine 1925 with isoleucine.
Molecular consequence: missense variant.
Genome position (GRCh38, 1-based): chr1:94,008,812, C>A on the plus strand (G>T on the coding strand, the complement: ABCA4 is on the minus strand). VCF-style: chr1-94008812-C-A. GRCh37 (hg19) VCF-style: chr1-94474368-C-A.
Other names: c.5552G>T, p.Arg1851Ile (NM_001425324.1); short protein forms R1925I, R1851I.
Identifiers: ClinVar variation 806159 (VCV000806159.52), dbSNP rs1208195953, ClinGen allele CA341280337.